The following is an entry in ClinVar:

ClinVar aggregate classification (germline): Uncertain significance (1 of 4 stars; one submission).

Submission:

GeneDx
Classification: Uncertain significance. Last evaluated: 2025-06-16. Review status: criteria provided, single submitter. Criteria: GeneDx Variant Classification Process June 2021. Collection method: clinical testing. Allele origin: germline. Affected: yes.
Comment: Not observed at significant frequency in large population cohorts (gnomAD); In silico analysis supports that this missense variant has a deleterious effect on protein structure/function; Has not been previously published as pathogenic or benign to our knowledge

NM_001271.4(CHD2):c.3793G>C (p.Asp1265His)

Gene: CHD2 (chromodomain helicase DNA binding protein 2; plus strand). Cytogenetic location: 15q26.1.
Variant type: single nucleotide variant.
Coding change: c.3793G>C on transcript NM_001271.4 (MANE Select); coding-DNA position 3793, G replaced by C.
Protein change: p.Asp1265His; replaces aspartic acid 1265 with histidine.
Molecular consequence: missense variant.
Genome position (GRCh38, 1-based): chr15:92,997,311, G>C. VCF-style: chr15-92997311-G-C. GRCh37 (hg19) VCF-style: chr15-93540541-G-C.
Other names: short protein forms D1265H.
Identifiers: ClinVar variation 4538853 (VCV004538853.1).